The following is an entry in ClinVar:

ClinVar aggregate classification (germline): Uncertain significance (1 of 4 stars; one submission).

Submission:

Greenwood Genetic Center Diagnostic Laboratories, Greenwood Genetic Center
Classification: Uncertain significance. Last evaluated: 2025-11-07. Review status: criteria provided, single submitter. Criteria: ACMG Guidelines, 2015. Collection method: clinical testing. Allele origin: germline. Affected: yes.
Comment: Gene of Uncertain Significance

NM_003870.4(IQGAP1):c.3050G>C (p.Arg1017Pro)

Gene: IQGAP1 (IQ motif containing GTPase activating protein 1; plus strand). Cytogenetic location: 15q26.1.
Variant type: single nucleotide variant.
Coding change: c.3050G>C on transcript NM_003870.4 (MANE Select); coding-DNA position 3050, G replaced by C.
Protein change: p.Arg1017Pro; replaces arginine 1017 with proline.
Molecular consequence: missense variant.
Genome position (GRCh38, 1-based): chr15:90,477,176, G>C. VCF-style: chr15-90477176-G-C. GRCh37 (hg19) VCF-style: chr15-91020408-G-C.
Other names: short protein forms R1017P.
Identifiers: ClinVar variation 4845448 (VCV004845448.1).